The following is an entry in ClinVar:

ClinVar aggregate classification (germline): Pathogenic (1 of 4 stars; one submission).

Conditions:
Finnish congenital nephrotic syndrome (NPHS1). Also called: NEPHROTIC SYNDROME, TYPE 1. Identifiers: Orphanet 839, MedGen C0403399, MONDO:0009732, OMIM 256300.

Submission:

Myriad Genetics, Inc.
Classification: Pathogenic for Finnish congenital nephrotic syndrome. Last evaluated: 2024-08-21. Review status: criteria provided, single submitter. Criteria: Myriad Autosomal Dominant, Autosomal Recessive and X-Linked Classification Criteria (2023). Collection method: clinical testing. Allele origin: unknown.
Comment: NM_004646.3(NPHS1):c.645_646insCAGC(V216Qfs*4) is expected to be pathogenic in the context of nephrotic syndrome, NPHS1-related. This variant is predicted to lead to an abnormal or absent protein product due to the creation of a premature termination codon in NPHS1, a gene where loss-of-function variants are known to be pathogenic. Please note: this variant was assessed in the context of healthy population screening.

NM_004646.4(NPHS1):c.645_646insCAGC (p.Val216fs)

Gene: NPHS1 (NPHS1 adhesion molecule, nephrin; minus strand). Cytogenetic location: 19q13.12.
Variant type: Insertion.
Coding change: c.645_646insCAGC on transcript NM_004646.4 (MANE Select); coding-DNA positions 645 to 646, CAGC inserted.
Protein change: p.Val216fs; shifts the reading frame from valine 216.
Molecular consequence: frameshift variant.
Genome position: GRCh38 VCF-style: chr19-35849616-C-CGCTG. GRCh37 (hg19) VCF-style: chr19-36340518-C-CGCTG.
Other names: short protein forms V216fs.
Identifiers: ClinVar variation 5013479 (VCV005013479.1).